The following is an entry in ClinVar:

ClinVar aggregate classification (germline): Likely pathogenic (1 of 4 stars; one submission).

Submission:

GeneDx
Classification: Likely pathogenic. Last evaluated: 2022-10-28. Review status: criteria provided, single submitter. Criteria: GeneDx Variant Classification Process June 2021. Collection method: clinical testing. Allele origin: germline. Affected: yes.
Comment: In silico analysis, which includes protein predictors and evolutionary conservation, supports a deleterious effect; Not observed in large population cohorts (gnomAD); Has not been previously published as pathogenic or benign to our knowledge

NM_004818.3(DDX23):c.2131A>G (p.Lys711Glu)

Gene: DDX23 (DEAD-box helicase 23; minus strand). Cytogenetic location: 12q13.12.
Variant type: single nucleotide variant.
Coding change: c.2131A>G on transcript NM_004818.3 (MANE Select); coding-DNA position 2131, A replaced by G.
Protein change: p.Lys711Glu; replaces lysine 711 with glutamic acid.
Molecular consequence: missense variant.
Genome position (GRCh38, 1-based): chr12:48,831,250, T>C on the plus strand (A>G on the coding strand, the complement: DDX23 is on the minus strand). VCF-style: chr12-48831250-T-C. GRCh37 (hg19) VCF-style: chr12-49225033-T-C.
Other names: short protein forms K711E.
Identifiers: ClinVar variation 1305256 (VCV001305256.3), dbSNP rs2137479869, ClinGen allele CA384666695.
Genomic context (GRCh38, chr12:48,831,250, plus strand): 5'-GGATGTCAATACCACGACCAGCCACATCTGTAGCCACCAAAATATCCTTGGCCCCAGCCT[T>C]GAGGTTGGACAACGCAAACTCTCGCTGCTCCTGGCCTTTTCCACCGTGCAGTGTGCAAGC-3'
Protein context (NP_004809.2, residues 701-721): EQREFALSNL[Lys711Glu]AGAKDILVAT